The following is an entry in ClinVar:

ClinVar aggregate classification (germline): Uncertain significance (1 of 4 stars; one submission).

Conditions:
Hereditary spastic paraplegia 11. Also called: Nakamura Osame syndrome; Autosomal recessive hereditary spastic paraplegia, mental impairment, and thin corpus callosum; Spastic paraplegia, mental retardation and thin corpus callosum; SPASTIC PARAPLEGIA, AUTOSOMAL RECESSIVE, COMPLICATED, WITH THIN CORPUS CALLOSUM; SPASTIC PARAPLEGIA, AUTOSOMAL RECESSIVE, WITH MENTAL IMPAIRMENT AND THIN CORPUS CALLOSUM; Spastic Paraplegia 11. Identifiers: Orphanet 2822, MedGen C1858479, MONDO:0011445, OMIM 604360.

gnomAD v4.1: 48 of 1,613,510 alleles (0.003%); highest among the groups gnomAD compares: South Asian, 0.049%; 1 homozygote.

Submission:

Labcorp Genetics (formerly Invitae), Labcorp
Classification: Uncertain significance for Hereditary spastic paraplegia 11. Last evaluated: 2022-07-01. Review status: criteria provided, single submitter. Criteria: Invitae Variant Classification Sherloc (09022015). Collection method: clinical testing. Allele origin: germline.
Comment: This sequence change replaces aspartic acid, which is acidic and polar, with alanine, which is neutral and non-polar, at codon 146 of the SPG11 protein (p.Asp146Ala). This variant is present in population databases (rs182535774, gnomAD 0.05%). This variant has not been reported in the literature in individuals affected with SPG11-related conditions. ClinVar contains an entry for this variant (Variation ID: 534859). Algorithms developed to predict the effect of missense changes on protein structure and function (SIFT, PolyPhen-2, Align-GVGD) all suggest that this variant is likely to be tolerated. In summary, the available evidence is currently insufficient to determine the role of this variant in disease. Therefore, it has been classified as a Variant of Uncertain Significance.

NM_025137.4(SPG11):c.437A>C (p.Asp146Ala)

Gene: SPG11 (SPG11 vesicle trafficking associated, spatacsin; minus strand). Cytogenetic location: 15q21.1.
Variant type: single nucleotide variant.
Coding change: c.437A>C on transcript NM_025137.4 (MANE Select); coding-DNA position 437, A replaced by C.
Protein change: p.Asp146Ala; replaces aspartic acid 146 with alanine.
Molecular consequence: missense variant.
Genome position (GRCh38, 1-based): chr15:44,660,437, T>G on the plus strand (A>C on the coding strand, the complement: SPG11 is on the minus strand). VCF-style: chr15-44660437-T-G. GRCh37 (hg19) VCF-style: chr15-44952635-T-G.
Other names: c.437A>C, p.Asp146Ala (NM_001160227.2); short protein forms D146A.
Identifiers: ClinVar variation 534859 (VCV000534859.6), dbSNP rs182535774, ClinGen allele CA7535845.
Genomic context (GRCh38, chr15:44,660,437, plus strand): 5'-TACATGGTAATGTCACAAATTTAAATATGCTGAAAGACCACCTGTAGATACTTACTGATA[T>G]CTTGATCGTCAATGAGCTTTTGCAATGCCTCCCTACTACAGCTATACAAAATGGTTGCAT-3'
Protein context (NP_079413.3, residues 136-156): EALQKLIDDQ[Asp146Ala]ISISLLSLRI